The following is an entry in ClinVar:

ClinVar aggregate classification (germline): Uncertain significance (1 of 4 stars; one submission).

Conditions:
Autosomal dominant limb-girdle muscular dystrophy type 1F (LGMDD2). Also called: MUSCULAR DYSTROPHY, LIMB-GIRDLE, AUTOSOMAL DOMINANT 2; Limb-girdle muscular dystrophy, type 1F. Identifiers: Orphanet 55595, MedGen C1842062, MONDO:0012034, OMIM 608423.

Submission:

Labcorp Genetics (formerly Invitae), Labcorp
Classification: Uncertain significance for Autosomal dominant limb-girdle muscular dystrophy type 1F. Last evaluated: 2021-08-12. Review status: criteria provided, single submitter. Criteria: Invitae Variant Classification Sherloc (09022015). Collection method: clinical testing. Allele origin: germline.
Comment: Algorithms developed to predict the effect of missense changes on protein structure and function are either unavailable or do not agree on the potential impact of this missense change (SIFT: "Tolerated"; PolyPhen-2: "Probably Damaging"; Align-GVGD: "Class C0"). This variant has not been reported in the literature in individuals affected with TNPO3-related conditions. This variant is not present in population databases (ExAC no frequency). This sequence change replaces histidine with asparagine at codon 537 of the TNPO3 protein (p.His537Asn). The histidine residue is highly conserved and there is a small physicochemical difference between histidine and asparagine. In summary, the available evidence is currently insufficient to determine the role of this variant in disease. Therefore, it has been classified as a Variant of Uncertain Significance.

NM_012470.4(TNPO3):c.1609C>A (p.His537Asn)

Gene: TNPO3 (transportin 3; minus strand). Cytogenetic location: 7q32.1.
Variant type: single nucleotide variant.
Coding change: c.1609C>A on transcript NM_012470.4 (MANE Select); coding-DNA position 1609, C replaced by A.
Protein change: p.His537Asn; replaces histidine 537 with asparagine.
Molecular consequence: missense variant. On other transcripts: non-coding transcript variant (18), intron variant (2).
Genome position (GRCh38, 1-based): chr7:128,986,810, G>T on the plus strand (C>A on the coding strand, the complement: TNPO3 is on the minus strand). VCF-style: chr7-128986810-G-T. GRCh37 (hg19) VCF-style: chr7-128626864-G-T.
Other names: c.1711C>A, p.His571Asn (NM_001382216.1); c.1690C>A, p.His564Asn (NM_001382217.1); c.1609C>A, p.His537Asn (NM_001382218.1, NM_001382220.1); c.1501C>A, p.His501Asn (NM_001382219.1); c.1465C>A, p.His489Asn (NM_001382221.1); c.1462C>A, p.His488Asn (NM_001382222.1); c.1499-2551C>A (NM_001382223.1, NM_001191028.3); short protein forms H501N, H537N, H488N, H564N, H571N, H489N.
Identifiers: ClinVar variation 1374565 (VCV001374565.6), dbSNP rs2150339414, ClinGen allele CA369226309.